The following is an entry in ClinVar:

ClinVar aggregate classification (germline): Conflicting classifications of pathogenicity. Review status: criteria provided, conflicting classifications (1 of 4 stars). 8 submissions from 7 submitters: Likely pathogenic (2); Uncertain significance (4). 2 of the submissions do not count toward it. Last evaluated 2026-06-19.

Conditions:
Tooth agenesis, selective, 4 (STHAG4). Also called: SUCCEDANEOUS TEETH, AGENESIS OF; TOOTH AGENESIS, SELECTIVE, 4, WITH OR WITHOUT ECTODERMAL DYSPLASIA; LATERAL INCISORS, ABSENCE OF; LATERAL INCISORS, PEGGED OR MISSING. Identifiers: Orphanet 99798, MedGen C1835492, MONDO:0007881, OMIM 150400. Disease mechanism: loss of function.
Odonto-onycho-dermal dysplasia. Identifiers: Orphanet 2721, MedGen C0796093, MONDO:0009773, OMIM 257980.
WNT10A-related disorder. Also called: WNT10A-related condition; WNT10A-related disorders.
Inborn genetic diseases. Identifiers: MedGen C0950123, MeSH D030342.
Bladder exstrophy-epispadias-cloacal exstrophy complex. Also called: Exstrophy of the bladder-epispadias; Bladder exstrophy and epispadias complex; Bladder exstrophy-epispadias-cloacal extrophy complex. Identifiers: Orphanet 93930, MedGen C1838703, MONDO:0700039, OMIM 600057.
Schöpf-Schulz-Passarge syndrome. Also called: ECCRINE TUMORS WITH ECTODERMAL DYSPLASIA; KERATOSIS PALMOPLANTARIS WITH CYSTIC EYELIDS, HYPODONTIA, AND HYPOTRICHOSIS; SchC6pf-Schulz-Passarge syndrome. Identifiers: Orphanet 50944, MedGen C1857069, MONDO:0009145, OMIM 224750.

Allele frequency attached by ClinVar (database versions not stated): ESP Exome Variant Server 0.00008; gnomAD 0.00017 and 0.00019; TOPMed 0.00012.

Submissions (8):

PreventionGenetics, part of Exact Sciences
Classification: Uncertain significance for WNT10A-related condition. Last evaluated: 2026-06-19. Review status: criteria provided, single submitter. Criteria: ACMG Guidelines, 2015. Collection method: clinical testing. Allele origin: germline.
Comment: The WNT10A c.487C>T variant is predicted to result in the amino acid substitution p.Arg163Trp. This variant, alternatively referred to as R163W, has been reported in the heterozygous or along with a second causative WNT10A variant in individuals with isolated hypo/oligodontia and/or tooth agenesis (van den Boogaard et al. 2012. PubMed ID: 22581971; Plaisancié et al. 2013. PubMed ID: 23401279; Table S2, Dhamo et al. 2016. PubMed ID: 27650966; Ruiz-Heiland and Bock. 2019. PubMed ID: 30426266) and in the heterozygous state in an individual with short anagen hair syndrome (SAH) (Table S1, Cesarato et al. 2023. PubMed ID: 37671665). In one study, the role of this variant in dental aplasia could not be determined as the variant was not observed in all relatives affected by hypo/oligodontia (Ruiz-Heiland and Bock. 2019. PubMed ID: 30426266). This variant is reported in 0.015% of alleles in individuals of European (non-Finnish) descent in gnomAD and has conflicting classifications in ClinVar ranging from uncertain to likely pathogenic (Variation ID: 189351). Although we suspect this variant may be pathogenic, at this time the clinical significance of this variant is uncertain due to the absence of conclusive functional and genetic evidence.

Labcorp Genetics (formerly Invitae), Labcorp
Classification: Uncertain significance for Tooth agenesis, selective, 4; Odonto-onycho-dermal dysplasia. Last evaluated: 2026-01-12. Review status: criteria provided, single submitter. Criteria: Invitae Variant Classification Sherloc (09022015). Collection method: clinical testing. Allele origin: germline.
Comment: This sequence change replaces arginine, which is basic and polar, with tryptophan, which is neutral and slightly polar, at codon 163 of the WNT10A protein (p.Arg163Trp). This variant is present in population databases (rs368280129, gnomAD 0.02%). This missense change has been observed in individuals with clinical features of ectodermal dysplasia (PMID: 22581971, 23401279, 30426266). ClinVar contains an entry for this variant (Variation ID: 189351). Invitae Evidence Modeling of protein sequence and biophysical properties (such as structural, functional, and spatial information, amino acid conservation, physicochemical variation, residue mobility, and thermodynamic stability) indicates that this missense variant is not expected to disrupt WNT10A protein function with a negative predictive value of 80%. In summary, the available evidence is currently insufficient to determine the role of this variant in disease. Therefore, it has been classified as a Variant of Uncertain Significance.

GeneDx
Classification: Likely pathogenic. Last evaluated: 2025-09-12. Review status: criteria provided, single submitter. Criteria: GeneDx Variant Classification Process June 2021. Collection method: clinical testing. Allele origin: germline. Affected: yes.
Comment: Reported previously in the heterozygous state in individuals with oligodontia and/or other features of ectodermal dysplasia (PMID: 23401279, 22581971, 30426266); In silico analysis supports that this missense variant has a deleterious effect on protein structure/function; This variant is associated with the following publications: (PMID: 23401279, 22581971, 24398796, 34426522, 30426266, 37671665)

Ambry Genetics
Classification: Likely pathogenic for Inborn genetic diseases. Last evaluated: 2025-06-17. Review status: criteria provided, single submitter. Criteria: Ambry Variant Classification Scheme 2023. Collection method: clinical testing. Allele origin: germline.
Comment: The c.487C>T (p.R163W) alteration is located in exon 3 (coding exon 3) of the WNT10A gene. This alteration results from a C to T substitution at nucleotide position 487, causing the arginine (R) at amino acid position 163 to be replaced by a tryptophan (W). Based on data from gnomAD, the T allele has an overall frequency of 0.01% (28/282674) total alleles studied. The highest observed frequency was 0.016% (20/129088) of European (non-Finnish) alleles. This variant has been identified in the heterozygous state in multiple individuals with non-syndromic tooth agenesis, sparse and thin, fragile hair, sweating delay, and/or oligodontia and has been identified in conjunction with other WNT10A variants in individuals with dental abnormalities (van den Boogaard, 2012; Plaisanci&eacute;, 2013; Dhamo, 2016; Ruiz-Heiland, 2019; External communication, 2024). This amino acid position is highly conserved in available vertebrate species. This alteration is predicted to be deleterious by in silico analysis. Based on the available evidence, this alteration is classified as likely pathogenic.

Illumina Laboratory Services, Illumina
Classification: Uncertain significance for Schöpf-Schulz-Passarge syndrome. Last evaluated: 2017-04-27. Review status: criteria provided, single submitter. Criteria: ICSL Variant Classification Criteria 13 December 2019. Collection method: clinical testing. Allele origin: germline.

Illumina Laboratory Services, Illumina
Classification: Uncertain significance for Odonto-onycho-dermal dysplasia. Last evaluated: 2017-04-27. Review status: criteria provided, single submitter. Criteria: ICSL Variant Classification Criteria 13 December 2019. Collection method: clinical testing. Allele origin: germline.

Natera, Inc.
Classification: Uncertain significance for Schopf-Schulz-Passarge syndrome. Last evaluated: 2020-01-22. Review status: no assertion criteria provided. Collection method: clinical testing. Allele origin: germline. Not counted in ClinVar's aggregate classification.

Karolinska institutet
Classification: Uncertain significance for BLADDER EXSTROPHY AND EPISPADIAS COMPLEX. Last evaluated: 2015-03-31. Review status: no assertion criteria provided. Collection method: research. Allele origin: inherited. Affected: yes. Not counted in ClinVar's aggregate classification.

Literature cited by the submitters: PubMed 22581971 (cited by Labcorp Genetics (formerly Invitae), Labcorp and Ambry Genetics); PubMed 23401279 (cited by Labcorp Genetics (formerly Invitae), Labcorp and Ambry Genetics); PubMed 30426266 (cited by Labcorp Genetics (formerly Invitae), Labcorp and Ambry Genetics); PubMed 27650966 (cited by Ambry Genetics).

NM_025216.3(WNT10A):c.487C>T (p.Arg163Trp)

Gene: WNT10A (Wnt family member 10A; plus strand). Cytogenetic location: 2q35.
Variant type: single nucleotide variant.
Coding change: c.487C>T on transcript NM_025216.3 (MANE Select); coding-DNA position 487, C replaced by T.
Protein change: p.Arg163Trp; replaces arginine 163 with tryptophan.
Molecular consequence: missense variant.
Genome position (GRCh38, 1-based): chr2:218,890,094, C>T. VCF-style: chr2-218890094-C-T. GRCh37 (hg19) VCF-style: chr2-219754816-C-T.
Other names: short protein forms R163W.
Identifiers: ClinVar variation 189351 (VCV000189351.43), dbSNP rs368280129, ClinGen allele CA200186.